The following is an entry in ClinVar:

NM_182643.3(DLC1):c.2836T>C (p.Ser946Pro)

Gene: DLC1 (DLC1 Rho GTPase activating protein; minus strand). Cytogenetic location: 8p22.
Variant type: single nucleotide variant.
Coding change: c.2836T>C on transcript NM_182643.3 (MANE Select); coding-DNA position 2836, T replaced by C.
Protein change: p.Ser946Pro; replaces serine 946 with proline.
Molecular consequence: missense variant.
Genome position (GRCh38, 1-based): chr8:13,099,501, A>G on the plus strand (T>C on the coding strand, the complement: DLC1 is on the minus strand). VCF-style: chr8-13099501-A-G. GRCh37 (hg19) VCF-style: chr8-12957010-A-G.
Other names: c.1303T>C, p.Ser435Pro (NM_001164271.2, NM_001348082.2, NM_001348083.1 and 1 more transcripts); c.1627T>C, p.Ser543Pro (NM_001316668.2); c.2836T>C, p.Ser946Pro (NM_001348081.2); c.1525T>C, p.Ser509Pro (NM_006094.5); short protein forms S946P, S435P, S543P, S509P.
Identifiers: ClinVar variation 422271 (VCV000422271.2), dbSNP rs1064795671, ClinGen allele CA16618597.

ClinVar aggregate classification (germline): Uncertain significance (1 of 4 stars; one submission).

Submission:

GeneDx
Classification: Uncertain significance. Last evaluated: 2016-09-29. Review status: criteria provided, single submitter. Criteria: GeneDx Variant Classification (06012015). Collection method: clinical testing. Allele origin: germline. Affected: yes.
Comment: The S946P variant in the DLC1 gene has not been reported previously as a pathogenic variant, nor asa benign variant, to our knowledge. The S946P variant was not observed in approximately 6500individuals of European and African American ancestry in the NHLBI Exome Sequencing Project,indicating it is not a common benign variant in these populations. The S946P variant is anon-conservative amino acid substitution, which occurs at a position that is conserved across species.In silico analysis predicts this variant is probably damaging to the protein structure/function.